The following is an entry in ClinVar:

ClinVar aggregate classification (germline): Uncertain significance. Review status: criteria provided, single submitter (1 of 4 stars). 2 submissions from 2 submitters: Uncertain significance (1). 1 of the submissions does not count toward it. Last evaluated 2022-08-23.

Conditions:
Hermansky-Pudlak syndrome 6 (HPS6). Identifiers: Orphanet 231512, Orphanet 79430, MedGen C3888007, MONDO:0013558, OMIM 614075.

Allele frequency attached by ClinVar (database versions not stated): TOPMed 0.00001.
gnomAD v4.1: 7 of 1,557,836 alleles (0.00045%); highest among the groups gnomAD compares: East Asian, 0.0024%; no homozygotes.

Submissions (2):

Labcorp Genetics (formerly Invitae), Labcorp
Classification: Uncertain significance. Last evaluated: 2022-08-23. Review status: criteria provided, single submitter. Criteria: Invitae Variant Classification Sherloc (09022015). Collection method: clinical testing. Allele origin: germline.
Comment: This sequence change replaces arginine, which is basic and polar, with cysteine, which is neutral and slightly polar, at codon 3 of the HPS6 protein (p.Arg3Cys). This variant is present in population databases (no rsID available, gnomAD 0.007%). This variant has not been reported in the literature in individuals affected with HPS6-related conditions. ClinVar contains an entry for this variant (Variation ID: 1492067). Algorithms developed to predict the effect of missense changes on protein structure and function are either unavailable or do not agree on the potential impact of this missense change (SIFT: "Deleterious"; PolyPhen-2: "Possibly Damaging"; Align-GVGD: "Class C0"). In summary, the available evidence is currently insufficient to determine the role of this variant in disease. Therefore, it has been classified as a Variant of Uncertain Significance.

ISTH-SSC Genomics in Thrombosis and Hemostasis, KU Leuven, Center for Molecular and Vascular Biology
Classification: Uncertain significance for Hermansky-Pudlak syndrome 6. Review status: no assertion criteria provided. Collection method: research. Allele origin: unknown. Affected: yes. Not counted in ClinVar's aggregate classification.
Comment: Submitted to GoldVariant by Dr Marie-Christine Morel-Kopp from Northern Blood Research Centre, Sydney, Australia

NM_024747.6(HPS6):c.7C>T (p.Arg3Cys)

Genes: HPS6 (HPS6 biogenesis of lysosomal organelles complex 2 subunit 3; plus strand), LOC130004578 (ATAC-STARR-seq lymphoblastoid silent region 2738; plus strand). Cytogenetic location: 10q24.32.
Variant type: single nucleotide variant.
Coding change: c.7C>T on transcript NM_024747.6 (MANE Select); coding-DNA position 7, C replaced by T.
Protein change: p.Arg3Cys; replaces arginine 3 with cysteine.
Molecular consequence: missense variant.
Genome position (GRCh38, 1-based): chr10:102,065,481, C>T. VCF-style: chr10-102065481-C-T. GRCh37 (hg19) VCF-style: chr10-103825238-C-T.
Other names: short protein forms R3C.
Identifiers: ClinVar variation 1492067 (VCV001492067.6), dbSNP rs975351475, ClinGen allele CA212199567.